The following is an entry in ClinVar:

NM_015001.3(SPEN):c.864_872del (p.Thr290_Ser292del)

Gene: SPEN (spen family transcriptional repressor; plus strand). Cytogenetic location: 1p36.21.
Variant type: Deletion.
Coding change: c.864_872del on transcript NM_015001.3 (MANE Select); coding-DNA positions 864 to 872, 9 bases deleted (TAGTACCAG; older notation c.864_872delTAGTACCAG).
Protein change: p.Thr290_Ser292del.
Genome position (GRCh38, 1-based): chr1:15,876,661-15,876,669, TAGTACCAG deleted; deleting any 9 consecutive bases within chr1:15,876,658-15,876,669 gives the same sequence; the c. name uses the placement nearest the transcript's 3' end. VCF-style (leftmost placement, unchanged base first): chr1-15876657-GCAGTAGTAC-G. GRCh37 (hg19) VCF-style: chr1-16203152-GCAGTAGTAC-G.
Identifiers: ClinVar variation 3897472 (VCV003897472.1).

ClinVar aggregate classification (germline): Uncertain significance (1 of 4 stars; one submission).

Submission:

GeneDx
Classification: Uncertain significance. Last evaluated: 2024-11-04. Review status: criteria provided, single submitter. Criteria: GeneDx Variant Classification Process June 2021. Collection method: clinical testing. Allele origin: germline. Affected: yes.
Comment: Not observed at significant frequency in large population cohorts (gnomAD); In-frame deletion of 3 amino acid(s) in a non-repeat region; In silico analysis supports a deleterious effect on protein structure/function; Has not been previously published as pathogenic or benign to our knowledge